The following is an entry in ClinVar:

ClinVar aggregate classification (germline): Uncertain significance (1 of 4 stars; one submission).

Submission:

Labcorp Genetics (formerly Invitae), Labcorp
Classification: Uncertain significance. Last evaluated: 2022-08-10. Review status: criteria provided, single submitter. Criteria: Invitae Variant Classification Sherloc (09022015). Collection method: clinical testing. Allele origin: germline.
Comment: This variant is not present in population databases (gnomAD no frequency). This sequence change falls in intron 7 of the CLCN4 gene. It does not directly change the encoded amino acid sequence of the CLCN4 protein. In summary, the available evidence is currently insufficient to determine the role of this variant in disease. Therefore, it has been classified as a Variant of Uncertain Significance. Algorithms developed to predict the effect of sequence changes on RNA splicing suggest that this variant may disrupt the consensus splice site. This variant has not been reported in the literature in individuals affected with CLCN4-related conditions.

NM_001830.4(CLCN4):c.763-10T>A

Gene: CLCN4 (chloride voltage-gated channel 4; plus strand). Cytogenetic location: Xp22.2.
Variant type: single nucleotide variant.
Coding change: c.763-10T>A on transcript NM_001830.4 (MANE Select); 10 bases into the intron before coding-DNA position 763, T replaced by A.
Molecular consequence: intron variant.
Genome position (GRCh38, 1-based): chrX:10,206,686, T>A. VCF-style: chrX-10206686-T-A. GRCh37 (hg19) VCF-style: chrX-10174726-T-A.
Other names: c.481-10T>A (NM_001256944.2).
Identifiers: ClinVar variation 2114901 (VCV002114901.4), dbSNP rs2518884455, ClinGen allele CA2580099999.